The following is an entry in ClinVar:

NM_001129.5(AEBP1):c.1664T>C (p.Val555Ala)

Gene: AEBP1 (AE binding protein 1; plus strand). Cytogenetic location: 7p13.
Variant type: single nucleotide variant.
Coding change: c.1664T>C on transcript NM_001129.5 (MANE Select); coding-DNA position 1664, T replaced by C.
Protein change: p.Val555Ala; replaces valine 555 with alanine.
Molecular consequence: missense variant.
Genome position (GRCh38, 1-based): chr7:44,111,187, T>C. VCF-style: chr7-44111187-T-C. GRCh37 (hg19) VCF-style: chr7-44150786-T-C.
Other names: short protein forms V555A.
Identifiers: ClinVar variation 1945733 (VCV001945733.5), dbSNP rs1365969703, ClinGen allele CA367366321.
Genomic context (GRCh38, chr7:44,111,187, plus strand): 5'-CTAAAGACAACCCCGCCTCCCTTGCAGCTGTCTACAGCTACTACGCACAGAATGAGGTGG[T>C]GGCCACCGATGACCTGGATTTCCGGCACCACAGCTACAAGGACATGCGCCAGGTTGGGAG-3'
Protein context (NP_001120.3, residues 545-565): VYSYYAQNEV[Val555Ala]ATDDLDFRHH

ClinVar aggregate classification (germline): Uncertain significance (1 of 4 stars; one submission).

Allele frequency attached by ClinVar (database versions not stated): TOPMed below 0.00001.

Submission:

Labcorp Genetics (formerly Invitae), Labcorp
Classification: Uncertain significance. Last evaluated: 2022-10-17. Review status: criteria provided, single submitter. Criteria: Invitae Variant Classification Sherloc (09022015). Collection method: clinical testing. Allele origin: germline.
Comment: This sequence change replaces valine, which is neutral and non-polar, with alanine, which is neutral and non-polar, at codon 555 of the AEBP1 protein (p.Val555Ala). This variant is not present in population databases (gnomAD no frequency). This variant has not been reported in the literature in individuals affected with AEBP1-related conditions. Algorithms developed to predict the effect of missense changes on protein structure and function are either unavailable or do not agree on the potential impact of this missense change (SIFT: "Deleterious"; PolyPhen-2: "Benign"; Align-GVGD: "Class C0"). In summary, the available evidence is currently insufficient to determine the role of this variant in disease. Therefore, it has been classified as a Variant of Uncertain Significance.